The following is an entry in ClinVar:

NM_013254.4(TBK1):c.2000G>A (p.Ser667Asn)

Gene: TBK1 (TANK binding kinase 1; plus strand). Cytogenetic location: 12q14.2.
Variant type: single nucleotide variant.
Coding change: c.2000G>A on transcript NM_013254.4 (MANE Select); coding-DNA position 2000, G replaced by A.
Protein change: p.Ser667Asn; replaces serine 667 with asparagine.
Molecular consequence: missense variant.
Genome position (GRCh38, 1-based): chr12:64,497,688, G>A. VCF-style: chr12-64497688-G-A. GRCh37 (hg19) VCF-style: chr12-64891468-G-A.
Other names: short protein forms S667N.
Identifiers: ClinVar variation 4803068 (VCV004803068.1).
Genomic context (GRCh38, chr12:64,497,688, plus strand): 5'-TTTTTTTTTTGATGTTTCAGTTACAAGAAACTCTGCCTCAGAAAATGTTTACAGCTTCCA[G>A]TGGAATCAAACATACCATGACCCCAATTTATCCAAGTTCTAACACATTAGTAGAAATGAC-3'
Protein context (NP_037386.1, residues 657-677): TLPQKMFTAS[Ser667Asn]GIKHTMTPIY

ClinVar aggregate classification (germline): Uncertain significance (1 of 4 stars; one submission).

Conditions:
Frontotemporal dementia and/or amyotrophic lateral sclerosis 4. Also called: FTDALS4. Identifiers: Orphanet 275872, MedGen C4225325, MONDO:0014641, OMIM 616439.

Submission:

Labcorp Genetics (formerly Invitae), Labcorp
Classification: Uncertain significance for Frontotemporal dementia and/or amyotrophic lateral sclerosis 4. Last evaluated: 2025-12-16. Review status: criteria provided, single submitter. Criteria: Invitae Variant Classification Sherloc (09022015). Collection method: clinical testing. Allele origin: germline.
Comment: This sequence change replaces serine, which is neutral and polar, with asparagine, which is neutral and polar, at codon 667 of the TBK1 protein (p.Ser667Asn). This variant is not present in population databases (gnomAD no frequency). This variant has not been reported in the literature in individuals affected with TBK1-related conditions. Invitae Evidence Modeling of protein sequence and biophysical properties (such as structural, functional, and spatial information, amino acid conservation, physicochemical variation, residue mobility, and thermodynamic stability) indicates that this missense variant is not expected to disrupt TBK1 protein function with a negative predictive value of 95%. In summary, the available evidence is currently insufficient to determine the role of this variant in disease. Therefore, it has been classified as a Variant of Uncertain Significance.